The following is an entry in ClinVar:

ClinVar aggregate classification (germline): Uncertain significance. Review status: criteria provided, multiple submitters, no conflicts (2 of 4 stars). 2 submissions from 2 submitters: Uncertain significance (2). Last evaluated 2025-12-17.

Conditions:
Agammaglobulinemia 2, autosomal recessive (AGM2). Also called: AGAMMAGLOBULINEMIA, AUTOSOMAL RECESSIVE, DUE TO IGLL1 DEFECT. Identifiers: MedGen C3150750, MONDO:0013287, OMIM 613500.

Allele frequency attached by ClinVar (database versions not stated): gnomAD 0.00006 and 0.00010; TOPMed 0.00013; gnomAD exomes 0.00024 and 0.00028; 1000 Genomes Project 30x 0.00031; 1000 Genomes Project 0.00040; ExAC 0.00076.

Submissions (2):

Labcorp Genetics (formerly Invitae), Labcorp
Classification: Uncertain significance for Agammaglobulinemia 2, autosomal recessive. Last evaluated: 2025-12-17. Review status: criteria provided, single submitter. Criteria: Invitae Variant Classification Sherloc (09022015). Collection method: clinical testing. Allele origin: germline.
Comment: This sequence change replaces arginine, which is basic and polar, with tryptophan, which is neutral and slightly polar, at codon 60 of the IGLL1 protein (p.Arg60Trp). The frequency data for this variant in the population databases is considered unreliable, as metrics indicate poor data quality at this position in the gnomAD database. This variant has not been reported in the literature in individuals affected with IGLL1-related conditions. ClinVar contains an entry for this variant (Variation ID: 965383). An algorithm developed to predict the effect of missense changes on protein structure and function (PolyPhen-2) suggests that this variant is likely to be disruptive. In summary, the available evidence is currently insufficient to determine the role of this variant in disease. Therefore, it has been classified as a Variant of Uncertain Significance.

Ambry Genetics
Classification: Uncertain significance. Last evaluated: 2024-12-04. Review status: criteria provided, single submitter. Criteria: Ambry Variant Classification Scheme 2023. Collection method: clinical testing. Allele origin: germline.

NM_020070.4(IGLL1):c.178C>T (p.Arg60Trp)

Gene: IGLL1 (immunoglobulin lambda like polypeptide 1; minus strand). Cytogenetic location: 22q11.23.
Variant type: single nucleotide variant.
Coding change: c.178C>T on transcript NM_020070.4 (MANE Select); coding-DNA position 178, C replaced by T.
Protein change: p.Arg60Trp; replaces arginine 60 with tryptophan.
Molecular consequence: missense variant.
Genome position (GRCh38, 1-based): chr22:23,580,013, G>A on the plus strand (C>T on the coding strand, the complement: IGLL1 is on the minus strand). VCF-style: chr22-23580013-G-A. GRCh37 (hg19) VCF-style: chr22-23922200-G-A.
Other names: c.178C>T, p.Arg60Trp (NM_001369906.1, NM_152855.3); c.178C>T (NM_020070.2); short protein forms R60W.
Identifiers: ClinVar variation 965383 (VCV000965383.11), dbSNP rs146108390, ClinGen allele CA10143414.
Genomic context (GRCh38, chr22:23,580,013, plus strand): 5'-CCCCACATCCCCTGGAATCTCTCACCCCTTACCTGCCCCACCGGCTCCTCAGGCTGGACC[G>A]GCTGCTTCCTCCAGGGGCTCCAGGGCCCAGGGCCCTGCTCTGCGATGCAGCTGTTGGGCG-3'
Protein context (NP_064455.1, residues 50-70): LGPGAPGGSS[Arg60Trp]SSLRSRWGRF